The following is an entry in ClinVar:

ClinVar aggregate classification (germline): Uncertain significance (1 of 4 stars; one submission).

Conditions:
Hereditary cancer-predisposing syndrome. Also called: Hereditary neoplastic syndrome; Hereditary Cancer Syndrome; Neoplastic Syndromes, Hereditary; Tumor predisposition. Identifiers: Orphanet 140162, MedGen C0027672, MeSH D009386, MONDO:0015356.

gnomAD v4.1: 1 of 1,613,524 alleles (0.000062%); highest among the groups gnomAD compares: Admixed American, 0.0017%; no homozygotes.

Submission:

Ambry Genetics
Classification: Uncertain significance for Hereditary cancer-predisposing syndrome. Last evaluated: 2023-04-19. Review status: criteria provided, single submitter. Criteria: Ambry Variant Classification Scheme 2023. Collection method: clinical testing. Allele origin: germline.
Comment: The p.P69A variant (also known as c.205C>G), located in coding exon 1 of the GREM1 gene, results from a C to G substitution at nucleotide position 205. The proline at codon 69 is replaced by alanine, an amino acid with highly similar properties. This amino acid position is conserved. In addition, the in silico prediction for this alteration is inconclusive. Since supporting evidence is limited at this time, the clinical significance of this alteration remains unclear.

NM_013372.7(GREM1):c.205C>G (p.Pro69Ala)

Gene: GREM1 (gremlin 1, DAN family BMP antagonist; plus strand). Cytogenetic location: 15q13.3.
Variant type: single nucleotide variant.
Coding change: c.205C>G on transcript NM_013372.7 (MANE Select); coding-DNA position 205, C replaced by G.
Protein change: p.Pro69Ala; replaces proline 69 with alanine.
Molecular consequence: missense variant. On other transcripts: intron variant (2).
Genome position (GRCh38, 1-based): chr15:32,730,895, C>G. VCF-style: chr15-32730895-C-G. GRCh37 (hg19) VCF-style: chr15-33023096-C-G.
Other names: c.205C>G, p.Pro69Ala (NM_001368719.1); c.115-33C>G (NM_001191323.2); c.28-33C>G (NM_001191322.2); short protein forms P69A.
Identifiers: ClinVar variation 2566719 (VCV002566719.2), dbSNP rs1484617645, ClinGen allele CA391557406.